The following is an entry in ClinVar:

ClinVar aggregate classification (germline): Uncertain significance. Review status: criteria provided, multiple submitters, no conflicts (2 of 4 stars). 2 submissions from 2 submitters: Uncertain significance (2). Last evaluated 2025-03-20.

Allele frequency attached by ClinVar (database versions not stated): gnomAD exomes 0.00001; ExAC 0.00006.
gnomAD v4.1: 11 of 1,592,278 alleles (0.00069%); highest among the groups gnomAD compares: South Asian, 0.0045%; no homozygotes.

Submissions (2):

Ambry Genetics
Classification: Uncertain significance. Last evaluated: 2025-03-20. Review status: criteria provided, single submitter. Criteria: Ambry Variant Classification Scheme 2023. Collection method: clinical testing. Allele origin: germline.
Comment: The p.L2P variant (also known as c.5T>C), located in coding exon 1 of the RINT1 gene, results from a T to C substitution at nucleotide position 5. The leucine at codon 2 is replaced by proline, an amino acid with similar properties. This amino acid position is not well conserved in available vertebrate species. In addition, this alteration is predicted to be tolerated by in silico analysis. Since supporting evidence is limited at this time, the clinical significance of this alteration remains unclear.

Labcorp Genetics (formerly Invitae), Labcorp
Classification: Uncertain significance. Last evaluated: 2021-02-04. Review status: criteria provided, single submitter. Criteria: Invitae Variant Classification Sherloc (09022015). Collection method: clinical testing. Allele origin: germline.
Comment: This variant has not been reported in the literature in individuals with RINT1-related conditions. In summary, the available evidence is currently insufficient to determine the role of this variant in disease. Therefore, it has been classified as a Variant of Uncertain Significance. Algorithms developed to predict the effect of missense changes on protein structure and function output the following: SIFT: "Deleterious"; PolyPhen-2: "Benign"; Align-GVGD: "Class C0". The proline amino acid residue is found in multiple mammalian species, suggesting that this missense change does not adversely affect protein function. These predictions have not been confirmed by published functional studies and their clinical significance is uncertain. This variant is present in population databases (rs761138389, ExAC 0.01%). This sequence change replaces leucine with proline at codon 2 of the RINT1 protein (p.Leu2Pro). The leucine residue is moderately conserved and there is a moderate physicochemical difference between leucine and proline.

NM_021930.6(RINT1):c.5T>C (p.Leu2Pro)

Gene: RINT1 (RAD50 interactor 1; plus strand). Cytogenetic location: 7q22.3.
Variant type: single nucleotide variant.
Coding change: c.5T>C on transcript NM_021930.6 (MANE Select); coding-DNA position 5, T replaced by C.
Protein change: p.Leu2Pro; replaces leucine 2 with proline.
Molecular consequence: missense variant. On other transcripts: 5 prime UTR variant (4), non-coding transcript variant (1).
Genome position (GRCh38, 1-based): chr7:105,532,320, T>C. VCF-style: chr7-105532320-T-C. GRCh37 (hg19) VCF-style: chr7-105172767-T-C.
Other names: c.-93T>C (NM_001346599.2); c.-1015T>C (NM_001346600.2); c.-918T>C (NM_001346601.2); c.-538T>C (NM_001346603.2); short protein forms L2P.
Identifiers: ClinVar variation 1000576 (VCV001000576.12), dbSNP rs761138389, ClinGen allele CA4426307.